The following is an entry in ClinVar:

NM_000400.4(ERCC2):c.724G>A (p.Val242Ile)

Gene: ERCC2 (ERCC excision repair 2, TFIIH core complex helicase subunit; minus strand). Cytogenetic location: 19q13.32.
Variant type: single nucleotide variant.
Coding change: c.724G>A on transcript NM_000400.4 (MANE Select); coding-DNA position 724, G replaced by A.
Protein change: p.Val242Ile; replaces valine 242 with isoleucine.
Molecular consequence: missense variant.
Genome position (GRCh38, 1-based): chr19:45,364,326, C>T on the plus strand (G>A on the coding strand, the complement: ERCC2 is on the minus strand). VCF-style: chr19-45364326-C-T. GRCh37 (hg19) VCF-style: chr19-45867584-C-T.
Other names: c.652G>A, p.Val218Ile (NM_001130867.2); short protein forms V218I, V242I.
Identifiers: ClinVar variation 1757912 (VCV001757912.2), dbSNP rs2514031264, ClinGen allele CA406374237.

ClinVar aggregate classification (germline): Uncertain significance (1 of 4 stars; one submission).

Conditions:
Inborn genetic diseases. Identifiers: MedGen C0950123, MeSH D030342.

Submission:

Ambry Genetics
Classification: Uncertain significance for Inborn genetic diseases. Last evaluated: 2022-06-11. Review status: criteria provided, single submitter. Criteria: Ambry Variant Classification Scheme 2023. Collection method: clinical testing. Allele origin: germline.
Comment: The p.V242I variant (also known as c.724G>A), located in coding exon 9 of the ERCC2 gene, results from a G to A substitution at nucleotide position 724. The valine at codon 242 is replaced by isoleucine, an amino acid with highly similar properties. This amino acid position is conserved. In addition, the in silico prediction for this alteration is inconclusive. Since supporting evidence is limited at this time, the clinical significance of this alteration remains unclear.